The following is an entry in ClinVar:

NM_002470.4(MYH3):c.53G>A (p.Arg18Gln)

Gene: MYH3 (myosin heavy chain 3; minus strand). Cytogenetic location: 17p13.1.
Variant type: single nucleotide variant.
Coding change: c.53G>A on transcript NM_002470.4 (MANE Select); coding-DNA position 53, G replaced by A.
Protein change: p.Arg18Gln; replaces arginine 18 with glutamine.
Molecular consequence: missense variant.
Genome position (GRCh38, 1-based): chr17:10,655,012, C>T on the plus strand (G>A on the coding strand, the complement: MYH3 is on the minus strand). VCF-style: chr17-10655012-C-T. GRCh37 (hg19) VCF-style: chr17-10558329-C-T.
Other names: c.53G>A (NM_002470.3); short protein forms R18Q.
Identifiers: ClinVar variation 2145230 (VCV002145230.6), dbSNP rs757688928, ClinGen allele CA8393419.

ClinVar aggregate classification (germline): Uncertain significance. Review status: criteria provided, multiple submitters, no conflicts (2 of 4 stars). 3 submissions from 3 submitters: Uncertain significance (3). Last evaluated 2026-01-13.

Conditions:
Inborn genetic diseases. Identifiers: MedGen C0950123, MeSH D030342.

Allele frequency attached by ClinVar (database versions not stated): gnomAD 0.00002; TOPMed 0.00002.
gnomAD v4.1: 33 of 1,614,048 alleles (0.002%); highest among the groups gnomAD compares: East Asian, 0.022%; no homozygotes.

Submissions (3):

Labcorp Genetics (formerly Invitae), Labcorp
Classification: Uncertain significance. Last evaluated: 2026-01-13. Review status: criteria provided, single submitter. Criteria: Invitae Variant Classification Sherloc (09022015). Collection method: clinical testing. Allele origin: germline.
Comment: This sequence change replaces arginine, which is basic and polar, with glutamine, which is neutral and polar, at codon 18 of the MYH3 protein (p.Arg18Gln). This variant is present in population databases (rs757688928, gnomAD 0.08%). This variant has not been reported in the literature in individuals affected with MYH3-related conditions. ClinVar contains an entry for this variant (Variation ID: 2145230). Invitae Evidence Modeling of protein sequence and biophysical properties (such as structural, functional, and spatial information, amino acid conservation, physicochemical variation, residue mobility, and thermodynamic stability) has been performed for this missense variant. However, the output from this modeling did not meet the statistical confidence thresholds required to predict the impact of this variant on MYH3 protein function. Algorithms developed to predict the effect of sequence changes on RNA splicing suggest that this variant may create or strengthen a splice site. In summary, the available evidence is currently insufficient to determine the role of this variant in disease. Therefore, it has been classified as a Variant of Uncertain Significance.

Ambry Genetics
Classification: Uncertain significance for Inborn genetic diseases. Last evaluated: 2025-03-07. Review status: criteria provided, single submitter. Criteria: Ambry Variant Classification Scheme 2023. Collection method: clinical testing. Allele origin: germline.

Revvity Omics, Revvity
Classification: Uncertain significance. Last evaluated: 2025-03-05. Review status: criteria provided, single submitter. Criteria: ACMG Guidelines, 2015. Collection method: clinical testing. Allele origin: germline.